The following is an entry in ClinVar:

NM_001876.4(CPT1A):c.1813G>A (p.Val605Met)

Gene: CPT1A (carnitine palmitoyltransferase 1A; minus strand). Cytogenetic location: 11q13.3.
Variant type: single nucleotide variant.
Coding change: c.1813G>A on transcript NM_001876.4 (MANE Select); coding-DNA position 1813, G replaced by A.
Protein change: p.Val605Met; replaces valine 605 with methionine.
Molecular consequence: missense variant.
Genome position (GRCh38, 1-based): chr11:68,762,689, C>T on the plus strand (G>A on the coding strand, the complement: CPT1A is on the minus strand). VCF-style: chr11-68762689-C-T. GRCh37 (hg19) VCF-style: chr11-68530157-C-T.
Other names: c.1813G>A, p.Val605Met (NM_001031847.3); c.1813G>A (NM_001876.3); short protein forms V605M.
Identifiers: ClinVar variation 1484417 (VCV001484417.5), dbSNP rs747835344, ClinGen allele CA6152194.
Genomic context (GRCh38, chr11:68,762,689, plus strand): 5'-TCTGGGCCGGGTCCACCATGGCCCGCACGAAGTCGCATGACTCAGTGGTGCAGGAGCGCA[C>T]GGTCTCCGTCCTCCCCTCTCGGAAGAGCCGGGTCATGGAGGCCTCGTATGTGAGGCAAAA-3'
Protein context (NP_001867.2, residues 595-615): RLFREGRTET[Val605Met]RSCTTESCDF

ClinVar aggregate classification (germline): Uncertain significance. Review status: criteria provided, multiple submitters, no conflicts (2 of 4 stars). 2 submissions from 2 submitters: Uncertain significance (2). Last evaluated 2025-12-04.

Conditions:
Carnitine palmitoyl transferase 1A deficiency. Also called: CPT I DEFICIENCY; CPT DEFICIENCY, HEPATIC, TYPE I; Carnitine palmitoyltransferase 1A deficiency; CPT deficiency, hepatic, type IA; Carnitine palmitoyltransferase type I deficiency. Identifiers: Orphanet 156, MedGen C1829703, MONDO:0009705, OMIM 255120.
Inborn genetic diseases. Identifiers: MedGen C0950123, MeSH D030342.

Allele frequency attached by ClinVar (database versions not stated): ExAC 0.00001; gnomAD 0.00002; gnomAD exomes 0.00002 and 0.00004; TOPMed 0.00003.
gnomAD v4.1: 39 of 1,614,000 alleles (0.0024%); highest among the groups gnomAD compares: Admixed American, 0.023%; no homozygotes.

Submissions (2):

Ambry Genetics
Classification: Uncertain significance for Inborn genetic diseases. Last evaluated: 2025-12-04. Review status: criteria provided, single submitter. Criteria: Ambry Variant Classification Scheme 2023. Collection method: clinical testing. Allele origin: germline.

Labcorp Genetics (formerly Invitae), Labcorp
Classification: Uncertain significance for Carnitine palmitoyl transferase 1A deficiency. Last evaluated: 2022-07-11. Review status: criteria provided, single submitter. Criteria: Invitae Variant Classification Sherloc (09022015). Collection method: clinical testing. Allele origin: germline.
Comment: This sequence change replaces valine, which is neutral and non-polar, with methionine, which is neutral and non-polar, at codon 605 of the CPT1A protein (p.Val605Met). This variant is present in population databases (rs747835344, gnomAD 0.02%). This variant has not been reported in the literature in individuals affected with CPT1A-related conditions. ClinVar contains an entry for this variant (Variation ID: 1484417). Algorithms developed to predict the effect of missense changes on protein structure and function are either unavailable or do not agree on the potential impact of this missense change (SIFT: "Tolerated"; PolyPhen-2: "Probably Damaging"; Align-GVGD: "Class C0"). In summary, the available evidence is currently insufficient to determine the role of this variant in disease. Therefore, it has been classified as a Variant of Uncertain Significance.